The following is an entry in ClinVar:

ClinVar aggregate classification (germline): Pathogenic (1 of 4 stars; one submission).

Conditions:
Polycystic kidney disease, adult type (PKD1). Also called: Polycystic Kidney Disease 1, Autosomal Dominant; Polycystic kidney disease 1; Polycystic kidney disease 1, severe; Polycystic Kidney, Autosomal Dominant; POLYCYSTIC KIDNEY DISEASE 1 WITH OR WITHOUT POLYCYSTIC LIVER DISEASE; POLYCYSTIC KIDNEY DISEASE, ADULT, TYPE I. Identifiers: MedGen C3149841, MONDO:0008263, OMIM 173900.

Submission:

Victorian Clinical Genetics Services, Murdoch Childrens Research Institute
Classification: Pathogenic for Polycystic kidney disease, adult type. Last evaluated: 2020-05-25. Review status: criteria provided, single submitter. Criteria: ACMG Guidelines, 2015. Collection method: clinical testing. Allele origin: germline. Inheritance: Autosomal dominant inheritance. Affected: yes.
Comment: Based on the classification scheme VCGS_Germline_v1.1.1, this variant is classified as Pathogenic. Following criteria are met: 0102 - Loss-of-function is a known mechanism of disease for this gene. Multiple NMD-predicted variants have previously been reported (ClinVar). (N) 0107 - This gene is known to be associated with autosomal dominant disease. (N) 0201 - Variant is predicted to cause nonsense-mediated decay (NMD) and loss of protein (exon 26 of 46). (P) 0251 - Variant is heterozygous. (N) 0301 - Variant is absent from gnomAD. (P) 0701 - Comparable variants have very strong previous evidence for pathogenicity. Multiple NMD-predicted variants have previously been reported pathogenic in association with polycystic kidney disease (ClinVar). (P) 0803 - Low previous evidence of pathogenicity in unrelated individuals. A different nucleotide change (c.9384G>A) resulting in the same nonsense variant was previously reported as pathogenic (PKD1 database). (P) 0905 - No segregation evidence has been identified for this variant, ie no segregation studies published in literature. (N) 1007 - No published functional evidence has been identified for this variant. (N) 1208 - Inheritance information for this variant is not currently available. (N) Legend: (P) - Pathogenic, (N) - Neutral, (B) - Benign

NM_001009944.3(PKD1):c.9383G>A (p.Trp3128Ter)

Gene: PKD1 (polycystin 1, transient receptor potential channel interacting; minus strand). Cytogenetic location: 16p13.3.
Variant type: single nucleotide variant.
Coding change: c.9383G>A on transcript NM_001009944.3 (MANE Select); coding-DNA position 9383, G replaced by A.
Protein change: p.Trp3128Ter; replaces tryptophan 3128 with a stop codon.
Molecular consequence: nonsense.
Genome position (GRCh38, 1-based): chr16:2,102,075, C>T on the plus strand (G>A on the coding strand, the complement: PKD1 is on the minus strand). VCF-style: chr16-2102075-C-T. GRCh37 (hg19) VCF-style: chr16-2152076-C-T.
Other names: c.9383G>A, p.Trp3128Ter (NM_000296.4); short protein forms W3128*.
Identifiers: ClinVar variation 1805914 (VCV001805914.1), dbSNP rs2544729897, ClinGen allele CA394357656.
Genomic context (GRCh38, chr16:2,102,075, plus strand): 5'-GCCAGTGAGAGCAGGGGAGGCCCTGCCACCCCGCTGCGCCCCTCACCTGAGCCCCGGCCC[C>T]AGCCTGTCTTGACGAGGATCTCGTACTTGAAGCGGCCCCGCTGCCCACAGAAAGGGATGG-3'